The following is an entry in ClinVar:

NM_001127222.2(CACNA1A):c.5112C>T (p.Ile1704=)

Gene: CACNA1A (calcium voltage-gated channel subunit alpha1 A; minus strand). Cytogenetic location: 19p13.13.
Variant type: single nucleotide variant.
Coding change: c.5112C>T on transcript NM_001127222.2 (MANE Select); coding-DNA position 5112, C replaced by T.
Protein change: p.Ile1704=; no amino-acid change (isoleucine 1704 retained).
Molecular consequence: synonymous variant.
Genome position (GRCh38, 1-based): chr19:13,235,230, G>A on the plus strand (C>T on the coding strand, the complement: CACNA1A is on the minus strand). VCF-style: chr19-13235230-G-A. GRCh37 (hg19) VCF-style: chr19-13346044-G-A.
Other names: c.5130C>T, p.Ile1710= (NM_000068.4, NM_023035.3); c.5115C>T, p.Ile1705= (NM_001127221.2); c.5121C>T, p.Ile1707= (NM_001174080.2).
Identifiers: ClinVar variation 383678 (VCV000383678.10), dbSNP rs1057521708, ClinGen allele CA16607709.

ClinVar aggregate classification (germline): Likely benign. Review status: criteria provided, multiple submitters, no conflicts (2 of 4 stars). 2 submissions from 2 submitters: Likely benign (2). Last evaluated 2026-01-12.

Conditions:
Episodic ataxia type 2 (EA2). Also called: ATAXIA, EPISODIC, WITH NYSTAGMUS; ATAXIA, FAMILIAL PAROXYSMAL; CEREBELLAR ATAXIA, PAROXYSMAL, ACETAZOLAMIDE-RESPONSIVE; CEREBELLOPATHY, HEREDITARY PAROXYSMAL; EPISODIC ATAXIA, NYSTAGMUS-ASSOCIATED; ACETAZOLAMIDE-RESPONSIVE HEREDITARY PAROXYSMAL CEREBELLAR ATAXIA. Identifiers: Orphanet 97, MedGen C1720416, MONDO:0007163, OMIM 108500.
Developmental and epileptic encephalopathy, 42 (DEE42A). Also called: Epileptic encephalopathy, early infantile, 42; DEVELOPMENTAL AND EPILEPTIC ENCEPHALOPATHY 42A; EPILEPTIC ENCEPHALOPATHY, EARLY INFANTILE, 42A. Identifiers: MedGen C4310716, MONDO:0014917, OMIM 617106.

Allele frequency attached by ClinVar (database versions not stated): gnomAD exomes below 0.00001.
gnomAD v4.1: 1 of 1,604,854 alleles (0.000062%); highest among the groups gnomAD compares: African/African-American, 0.0013%; no homozygotes.

Submissions (2):

Labcorp Genetics (formerly Invitae), Labcorp
Classification: Likely benign for Developmental and epileptic encephalopathy, 42; Episodic ataxia type 2. Last evaluated: 2026-01-12. Review status: criteria provided, single submitter. Criteria: Invitae Variant Classification Sherloc (09022015). Collection method: clinical testing. Allele origin: germline.

GeneDx
Classification: Likely benign. Last evaluated: 2016-02-12. Review status: criteria provided, single submitter. Criteria: GeneDx Variant Classification (06012015). Collection method: clinical testing. Allele origin: germline. Affected: yes.
Comment: This variant is considered likely benign or benign based on one or more of the following criteria: it is a conservative change, it occurs at a poorly conserved position in the protein, it is predicted to be benign by multiple in silico algorithms, and/or has population frequency not consistent with disease.